The following is an entry in ClinVar:

NM_198576.4(AGRN):c.6057_6060delinsT (p.Val2022del)

Gene: AGRN (agrin; plus strand). Cytogenetic location: 1p36.33.
Variant type: Indel.
Coding change: c.6057_6060delinsT on transcript NM_198576.4 (MANE Select); coding-DNA positions 6057 to 6060, CGTG replaced by T.
Protein change: p.Val2022del; deletes valine 2022.
Molecular consequence: inframe deletion.
Genome position (GRCh38, 1-based): chr1:1,054,900-1,054,903, CGTG replaced by T. VCF-style: chr1-1054900-CGTG-T. GRCh37 (hg19) VCF-style: chr1-990280-CGTG-T.
Other names: c.6126_6129delinsT, p.Val2045del (NM_001305275.2); c.5754_5757delinsT, p.Val1921del (NM_001364727.2); short protein forms V1921del, V2022del, V2045del.
Identifiers: ClinVar variation 3338062 (VCV003338062.1).

ClinVar aggregate classification (germline): Likely pathogenic (0 of 4 stars; one submission).

Conditions:
Congenital myasthenic syndrome 8. Also called: MYASTHENIC SYNDROME, CONGENITAL, DUE TO AGRIN DEFICIENCY; Myasthenic syndrome, congenital, 8, with pre- and postsynaptic defects. Identifiers: Orphanet 590, MedGen C3808739, MONDO:0014052, OMIM 615120.

Submission:

Solve-RD Consortium
Classification: Likely pathogenic for Congenital myasthenic syndrome 8. Last evaluated: 2022-06-01. Review status: no assertion criteria provided. Collection method: provider interpretation. Allele origin: inherited. Affected: yes.
Comment: Variant confirmed as disease-causing by referring clinical team

Variant identified during reanalysis of unsolved cases by the Solve-RD project. The Solve-RD project has received funding from the European Union’s Horizon 2020 research and innovation programme under grant agreement No 779257.

Literature cited by the submitters: PubMed 39825153.